The following is an entry in ClinVar:

ClinVar aggregate classification (germline): Uncertain significance (1 of 4 stars; one submission).

Conditions:
Left ventricular noncompaction 8 (LVNC8). Identifiers: Orphanet 154, Orphanet 54260, MedGen C3809288, MONDO:0014152, OMIM 615373.

Allele frequency attached by ClinVar (database versions not stated): gnomAD exomes below 0.00001; ExAC 0.00001.
gnomAD v4.1: 1 of 1,613,824 alleles (0.000062%); highest among the groups gnomAD compares: Non-Finnish European, 0.000085%; no homozygotes.

Submission:

Labcorp Genetics (formerly Invitae), Labcorp
Classification: Uncertain significance for Left ventricular noncompaction 8. Last evaluated: 2022-10-19. Review status: criteria provided, single submitter. Criteria: Invitae Variant Classification Sherloc (09022015). Collection method: clinical testing. Allele origin: germline.
Comment: In summary, the available evidence is currently insufficient to determine the role of this variant in disease. Therefore, it has been classified as a Variant of Uncertain Significance. Algorithms developed to predict the effect of missense changes on protein structure and function are either unavailable or do not agree on the potential impact of this missense change (SIFT: "Deleterious"; PolyPhen-2: "Possibly Damaging"; Align-GVGD: "Class C15"). This variant has not been reported in the literature in individuals affected with PRDM16-related conditions. This variant is present in population databases (rs754311746, gnomAD 0.0009%). This sequence change replaces histidine, which is basic and polar, with glutamine, which is neutral and polar, at codon 1047 of the PRDM16 protein (p.His1047Gln).

NM_022114.4(PRDM16):c.3141C>A (p.His1047Gln)

Gene: PRDM16 (PR/SET domain 16; plus strand). Cytogenetic location: 1p36.32.
Variant type: single nucleotide variant.
Coding change: c.3141C>A on transcript NM_022114.4 (MANE Select); coding-DNA position 3141, C replaced by A.
Protein change: p.His1047Gln; replaces histidine 1047 with glutamine.
Molecular consequence: missense variant.
Genome position (GRCh38, 1-based): chr1:3,426,082, C>A. VCF-style: chr1-3426082-C-A. GRCh37 (hg19) VCF-style: chr1-3342646-C-A.
Other names: c.3141C>A, p.His1047Gln (NM_199454.3); short protein forms H1047Q.
Identifiers: ClinVar variation 1947821 (VCV001947821.5), dbSNP rs754311746, ClinGen allele CA544752.